The following is an entry in ClinVar:

NM_002838.5(PTPRC):c.3344G>A (p.Arg1115Gln)

Gene: PTPRC (protein tyrosine phosphatase receptor type C; plus strand). Cytogenetic location: 1q32.1.
Variant type: single nucleotide variant.
Coding change: c.3344G>A on transcript NM_002838.5 (MANE Select); coding-DNA position 3344, G replaced by A.
Protein change: p.Arg1115Gln; replaces arginine 1115 with glutamine.
Molecular consequence: missense variant.
Genome position (GRCh38, 1-based): chr1:198,752,607, G>A. VCF-style: chr1-198752607-G-A. GRCh37 (hg19) VCF-style: chr1-198721736-G-A.
Other names: c.2861G>A, p.Arg954Gln (NM_080921.4); short protein forms R954Q, R1115Q.
Identifiers: ClinVar variation 1460618 (VCV001460618.5), dbSNP rs755012251, ClinGen allele CA1315427.
Genomic context (GRCh38, chr1:198,752,607, plus strand): 5'-AAGCTGAACTTCACTCCAGTTAATGCTCTCTTCAATTCTGATTTTAGAGGAAAGACTCTC[G>A]AACTGTGTACCAGTACCAATATACAAACTGGAGTGTGGAGCAGCTTCCTGCAGAACCCAA-3'
Protein context (NP_002829.3, residues 1105-1125): ELRHSKRKDS[Arg1115Gln]TVYQYQYTNW

ClinVar aggregate classification (germline): Uncertain significance (1 of 4 stars; one submission).

Conditions:
Immunodeficiency 104. Also called: Severe combined immunodeficiency, autosomal recessive, T cell-negative, B cell-positive, NK cell-positive; SCID, AUTOSOMAL RECESSIVE, T CELL-NEGATIVE, B CELL-POSITIVE, NK CELL-POSITIVE; IMMUNODEFICIENCY 104, SEVERE COMBINED; Severe Combined Immune Deficiency, Autosomal Recessive, TCell -Negative, B Cell-Positive, NK Cell-Positive, IL7R-Related. Identifiers: MedGen C5676890, MONDO:0012163, OMIM 608971.

Allele frequency attached by ClinVar (database versions not stated): ExAC 0.00001; gnomAD exomes 0.00001; TOPMed 0.00001; gnomAD 0.00002 and 0.00003.
gnomAD v4.1: 18 of 1,612,142 alleles (0.0011%); highest among the groups gnomAD compares: Middle Eastern, 0.016%; no homozygotes.

Submission:

Labcorp Genetics (formerly Invitae), Labcorp
Classification: Uncertain significance for Immunodeficiency 104. Last evaluated: 2021-08-26. Review status: criteria provided, single submitter. Criteria: Invitae Variant Classification Sherloc (09022015). Collection method: clinical testing. Allele origin: germline.
Comment: This sequence change replaces arginine with glutamine at codon 1115 of the PTPRC protein (p.Arg1115Gln). The arginine residue is highly conserved and there is a small physicochemical difference between arginine and glutamine. This variant is present in population databases (rs755012251, ExAC 0.002%). This variant has not been reported in the literature in individuals affected with PTPRC-related conditions. Algorithms developed to predict the effect of missense changes on protein structure and function (SIFT, PolyPhen-2, Align-GVGD) all suggest that this variant is likely to be disruptive. In summary, the available evidence is currently insufficient to determine the role of this variant in disease. Therefore, it has been classified as a Variant of Uncertain Significance.